The following is an entry in ClinVar:

NM_144585.4(SLC22A12):c.476G>A (p.Gly159Glu)

Gene: SLC22A12 (solute carrier family 22 member 12; plus strand). Cytogenetic location: 11q13.1.
Variant type: single nucleotide variant.
Coding change: c.476G>A on transcript NM_144585.4 (MANE Select); coding-DNA position 476, G replaced by A.
Protein change: p.Gly159Glu; replaces glycine 159 with glutamic acid.
Molecular consequence: missense variant. On other transcripts: 5 prime UTR variant (1).
Genome position (GRCh38, 1-based): chr11:64,592,852, G>A. VCF-style: chr11-64592852-G-A. GRCh37 (hg19) VCF-style: chr11-64360324-G-A.
Other names: c.476G>A, p.Gly159Glu (NM_001276326.2, NM_001276327.2); c.-33G>A (NM_153378.3); short protein forms G159E.
Identifiers: ClinVar variation 1388693 (VCV001388693.8), dbSNP rs374684921, ClinGen allele CA6077081.

ClinVar aggregate classification (germline): Uncertain significance. Review status: criteria provided, multiple submitters, no conflicts (2 of 4 stars). 2 submissions from 2 submitters: Uncertain significance (2). Last evaluated 2024-05-21.

Conditions:
Dalmatian hypouricemia (RHUC1). Identifiers: MedGen C0473219, MONDO:0020728, OMIM 220150.

Allele frequency attached by ClinVar (database versions not stated): gnomAD exomes 0.00001 and 0.00002; ExAC 0.00002; gnomAD 0.00005 and 0.00006; TOPMed 0.00007; ESP Exome Variant Server 0.00008.
gnomAD v4.1: 21 of 1,613,772 alleles (0.0013%); highest among the groups gnomAD compares: African/African-American, 0.028%; 1 homozygote.

Submissions (2):

Fulgent Genetics
Classification: Uncertain significance for Dalmatian hypouricemia. Last evaluated: 2024-05-21. Review status: criteria provided, single submitter. Criteria: ACMG Guidelines, 2015. Collection method: clinical testing. Allele origin: germline.

Labcorp Genetics (formerly Invitae), Labcorp
Classification: Uncertain significance. Last evaluated: 2021-11-03. Review status: criteria provided, single submitter. Criteria: Invitae Variant Classification Sherloc (09022015). Collection method: clinical testing. Allele origin: germline.
Comment: This variant is present in population databases (rs374684921, gnomAD 0.03%). This sequence change replaces glycine, which is neutral and non-polar, with glutamic acid, which is acidic and polar, at codon 159 of the SLC22A12 protein (p.Gly159Glu). This variant has not been reported in the literature in individuals affected with SLC22A12-related conditions. Algorithms developed to predict the effect of missense changes on protein structure and function (SIFT, PolyPhen-2, Align-GVGD) all suggest that this variant is likely to be disruptive. In summary, the available evidence is currently insufficient to determine the role of this variant in disease. Therefore, it has been classified as a Variant of Uncertain Significance.